The following is an entry in ClinVar:

ClinVar aggregate classification (germline): Uncertain significance. Review status: criteria provided, multiple submitters, no conflicts (2 of 4 stars). 3 submissions from 3 submitters: Uncertain significance (3). Last evaluated 2025-05-02.

Conditions:
Developmental and epileptic encephalopathy, 13 (DEE13). Also called: Early infantile epileptic encephalopathy 13; SCN8A-Related Epilepsy; Developmental and Epileptic Encephalopathy (SCN8A-DEE). Identifiers: Orphanet 442835, MedGen C3281191, MONDO:0013801, OMIM 614558.
Seizures, benign familial infantile, 5 (BFIS5). Also called: CONVULSIONS, BENIGN FAMILIAL INFANTILE, 5. Identifiers: Orphanet 306, MedGen C4310728, MONDO:0014903, OMIM 617080.
Cognitive impairment with or without cerebellar ataxia (CIAT). Identifiers: MedGen C3280415, MONDO:0013680, OMIM 614306.
Inborn genetic diseases. Identifiers: MedGen C0950123, MeSH D030342.
Early-infantile DEE. Also called: Early infantile epileptic encephalopathy; Early infantile epileptic encephalopathy with suppression bursts; Ohtahara syndrome. Identifiers: Orphanet 1934, MedGen C0393706, MONDO:0800491.

Submissions (3):

Ambry Genetics
Classification: Uncertain significance for Inborn genetic diseases. Last evaluated: 2025-05-02. Review status: criteria provided, single submitter. Criteria: Ambry Variant Classification Scheme 2023. Collection method: clinical testing. Allele origin: germline.

Labcorp Genetics (formerly Invitae), Labcorp
Classification: Uncertain significance for Early-infantile DEE. Last evaluated: 2024-05-06. Review status: criteria provided, single submitter. Criteria: Invitae Variant Classification Sherloc (09022015). Collection method: clinical testing. Allele origin: germline.
Comment: This sequence change replaces lysine, which is basic and polar, with glutamine, which is neutral and polar, at codon 1123 of the SCN8A protein (p.Lys1123Gln). This variant is not present in population databases (gnomAD no frequency). This variant has not been reported in the literature in individuals affected with SCN8A-related conditions. ClinVar contains an entry for this variant (Variation ID: 530412). Advanced modeling of protein sequence and biophysical properties (such as structural, functional, and spatial information, amino acid conservation, physicochemical variation, residue mobility, and thermodynamic stability) performed at Invitae indicates that this missense variant is not expected to disrupt SCN8A protein function with a negative predictive value of 95%. In summary, the available evidence is currently insufficient to determine the role of this variant in disease. Therefore, it has been classified as a Variant of Uncertain Significance.

New York Genome Center
Classification: Uncertain significance for Developmental and epileptic encephalopathy, 13; Seizures, benign familial infantile, 5; Cognitive impairment with or without cerebellar ataxia. Last evaluated: 2021-07-16. Review status: criteria provided, single submitter. Criteria: NYGC Assertion Criteria 2020. Collection method: clinical testing. Allele origin: germline, inherited. Observed: 2 heterozygotes. Clinical features observed: Seizure (HP:0001250), Global developmental delay (HP:0001263), Micropenis (HP:0000054), Microcephaly (HP:0000252), Decreased circulating IgG concentration (HP:0004315), Velopharyngeal insufficiency (HP:0000220), Autistic behavior (HP:0000729), Intellectual disability (HP:0001249), Headache (HP:0002315), Delayed speech and language development (HP:0000750), Unsteady gait (HP:0002317), Urinary incontinence (HP:0000020), and 1 more. Study: CSER-NYCKidSeq.
Comment: The inherited c.3367A>C (p.Lys1123Gln) variant identified in the SCN8A gene substitutes a very well conserved Lysine for Glutamine at amino acid 1123/1981 (exon 17/27). This variant is absent from gnomAD(v3.1.1), suggesting it is not a common benign variant in the populations represented in that database. In silico algorithms predict this variant to be Damaging (SIFT; score:0.013) and Pathogenic (REVEL; score:0.6389) to the function of the canonical transcript.This variant is reported as a Variant of Uncertain Significance in ClinVar (VarID:530412) and to our current knowledge has not been reported in affected individuals in the literature. The p.Lys1123 residue is within one of the cytoplasmic domains of SCN8A (UniProtKB:Q9UQD0). Given the lack of compelling evidence for its pathogenicity, the inherited c.3367A>C (p.Lys1123Gln) variant identified in the SCN8A gene is reported as a Variant of UncertainSignificance.

NM_001330260.2(SCN8A):c.3367A>C (p.Lys1123Gln)

Gene: SCN8A (sodium voltage-gated channel alpha subunit 8; plus strand). Cytogenetic location: 12q13.13.
Variant type: single nucleotide variant.
Coding change: c.3367A>C on transcript NM_001330260.2 (MANE Select); coding-DNA position 3367, A replaced by C.
Protein change: p.Lys1123Gln; replaces lysine 1123 with glutamine.
Molecular consequence: missense variant.
Genome position (GRCh38, 1-based): chr12:51,769,330, A>C. VCF-style: chr12-51769330-A-C. GRCh37 (hg19) VCF-style: chr12-52163114-A-C.
Other names: c.3367A>C, p.Lys1123Gln (NM_001177984.3, NM_001369788.1, NM_014191.4); c.3367A>C (NM_014191.2); short protein forms K1123Q.
Identifiers: ClinVar variation 530412 (VCV000530412.15), dbSNP rs1555226186, ClinGen allele CA384894017.